The following is an entry in ClinVar:

NM_025074.7(FRAS1):c.789+12T>G

Gene: FRAS1 (Fraser extracellular matrix complex subunit 1; plus strand). Cytogenetic location: 4q21.21.
Variant type: single nucleotide variant.
Coding change: c.789+12T>G on transcript NM_025074.7 (MANE Select); 12 bases into the intron after coding-DNA position 789, T replaced by G.
Molecular consequence: intron variant.
Genome position (GRCh38, 1-based): chr4:78,266,947, T>G. VCF-style: chr4-78266947-T-G. GRCh37 (hg19) VCF-style: chr4-79188101-T-G.
Other names: c.789+12T>G (NM_001166133.2).
Identifiers: ClinVar variation 903747 (VCV000903747.13), dbSNP rs142206350, ClinGen allele CA2976073.

ClinVar aggregate classification (germline): Benign/Likely benign. Review status: criteria provided, multiple submitters, no conflicts (2 of 4 stars). 4 submissions from 4 submitters: Benign (2); Likely benign (2). Last evaluated 2026-02-02.

Conditions:
Fraser syndrome 1 (FRASRS1). Also called: CRYPTOPHTHALMOS WITH OTHER MALFORMATIONS. Identifiers: Orphanet 2052, MedGen C4551480, MONDO:0054737, OMIM 219000.

Allele frequency attached by ClinVar (database versions not stated): gnomAD exomes 0.00142; TOPMed 0.00195; ExAC 0.00207; 1000 Genomes Project 0.00260; 1000 Genomes Project 30x 0.00265.
gnomAD v4.1: 875 of 1,554,178 alleles (0.056%); highest among the groups gnomAD compares: East Asian, 1.6%; 7 homozygotes.

Submissions (4):

Labcorp Genetics (formerly Invitae), Labcorp
Classification: Benign. Last evaluated: 2026-02-02. Review status: criteria provided, single submitter. Criteria: Invitae Variant Classification Sherloc (09022015). Collection method: clinical testing. Allele origin: germline.

Blueprint Genetics
Classification: Likely benign. Last evaluated: 2024-11-19. Review status: criteria provided, single submitter. Criteria: ACMG Guidelines, 2015. Collection method: clinical testing. Allele origin: germline.

Fulgent Genetics
Classification: Likely benign for Fraser syndrome 1. Last evaluated: 2021-07-26. Review status: criteria provided, single submitter. Criteria: ACMG Guidelines, 2015. Collection method: clinical testing. Allele origin: unknown.

Illumina Laboratory Services, Illumina
Classification: Benign for Fraser syndrome 1. Last evaluated: 2018-01-12. Review status: criteria provided, single submitter. Criteria: ICSL Variant Classification Criteria 13 December 2019. Collection method: clinical testing. Allele origin: germline.
Comment: This variant was observed in the ICSL laboratory as part of a predisposition screen in an ostensibly healthy population. It had not been previously curated by ICSL or reported in the Human Gene Mutation Database (HGMD: prior to June 1st, 2018), and was therefore a candidate for classification through an automated scoring system. Utilizing variant allele frequency, disease prevalence and penetrance estimates, and inheritance mode, an automated score was calculated to assess if this variant is too frequent to cause the disease. Based on the score and internal cut-off values, a variant classified as benign is not then subjected to further curation. The score for this variant resulted in a classification of benign for this disease.